The following is an entry in ClinVar:

NM_014956.5(CEP164):c.2047G>A (p.Ala683Thr)

Gene: CEP164 (centrosomal protein 164; plus strand). Cytogenetic location: 11q23.3.
Variant type: single nucleotide variant.
Coding change: c.2047G>A on transcript NM_014956.5 (MANE Select); coding-DNA position 2047, G replaced by A.
Protein change: p.Ala683Thr; replaces alanine 683 with threonine.
Molecular consequence: missense variant.
Genome position (GRCh38, 1-based): chr11:117,390,889, G>A. VCF-style: chr11-117390889-G-A. GRCh37 (hg19) VCF-style: chr11-117261605-G-A.
Other names: c.2056G>A, p.Ala686Thr (NM_001271933.2, NM_001440949.1); c.2047G>A, p.Ala683Thr (NM_001440950.1, NM_001440951.1, NM_001440953.1); c.1882G>A, p.Ala628Thr (NM_001440952.1, NM_001440968.1, NM_001440969.1); c.1969G>A, p.Ala657Thr (NM_001440954.1, NM_001440955.1, NM_001440958.1 and 1 more transcripts); c.1960G>A, p.Ala654Thr (NM_001440956.1, NM_001440957.1); c.1918G>A, p.Ala640Thr (NM_001440960.1); c.1909G>A, p.Ala637Thr (NM_001440961.1, NM_001440967.1); c.1900G>A, p.Ala634Thr (NM_001440962.1, NM_001440963.1, NM_001440964.1 and 4 more transcripts); and 7 more; short protein forms A608T, A613T, A637T, A640T, A564T, A683T, A634T, A538T.
Identifiers: ClinVar variation 4989511 (VCV004989511.1).

ClinVar aggregate classification (germline): Uncertain significance (1 of 4 stars; one submission).

Conditions:
CEP164-related disorder. Also called: CEP164-related condition.

gnomAD v4.1: 3 of 1,613,734 alleles (0.00019%); highest among the groups gnomAD compares: African/African-American, 0.004%; no homozygotes.

Submission:

PreventionGenetics, part of Exact Sciences
Classification: Uncertain significance for CEP164-related condition. Last evaluated: 2026-06-01. Review status: criteria provided, single submitter. Criteria: ACMG Guidelines, 2015. Collection method: clinical testing. Allele origin: germline.
Comment: The CEP164 c.2047G>A variant is predicted to result in the amino acid substitution p.Ala683Thr. To our knowledge, this variant has not been reported in the literature or in a large population database (gnomAD), indicating this variant is rare. At this time, the clinical significance of this variant is uncertain due to the absence of conclusive functional and genetic evidence.